The following is an entry in ClinVar:

ClinVar aggregate classification (germline): Uncertain significance (1 of 4 stars; one submission).

Conditions:
Early-infantile DEE. Also called: Early infantile epileptic encephalopathy; Early infantile epileptic encephalopathy with suppression bursts; Ohtahara syndrome. Identifiers: Orphanet 1934, MedGen C0393706, MONDO:0800491.

Submission:

Labcorp Genetics (formerly Invitae), Labcorp
Classification: Uncertain significance for Early-infantile DEE. Last evaluated: 2023-04-20. Review status: criteria provided, single submitter. Criteria: Invitae Variant Classification Sherloc (09022015). Collection method: clinical testing. Allele origin: germline.
Comment: In summary, the available evidence is currently insufficient to determine the role of this variant in disease. Therefore, it has been classified as a Variant of Uncertain Significance. This variant disrupts the p.Ser131 amino acid residue in SCN1A. Other variant(s) that disrupt this residue have been observed in individuals with SCN1A-related conditions (PMID: 27113213), which suggests that this may be a clinically significant amino acid residue. Advanced modeling of protein sequence and biophysical properties (such as structural, functional, and spatial information, amino acid conservation, physicochemical variation, residue mobility, and thermodynamic stability) performed at Invitae indicates that this missense variant is not expected to disrupt SCN1A protein function. ClinVar contains an entry for this variant (Variation ID: 1510635). This missense change has been observed in individual(s) with clinical features of SCN1A-related conditions (Invitae). This variant is not present in population databases (gnomAD no frequency). This sequence change replaces serine, which is neutral and polar, with asparagine, which is neutral and polar, at codon 131 of the SCN1A protein (p.Ser131Asn).

Literature cited by the submitters: PubMed 27113213.

NM_001165963.4(SCN1A):c.392G>A (p.Ser131Asn)

Gene: SCN1A (sodium voltage-gated channel alpha subunit 1; minus strand). Cytogenetic location: 2q24.3.
Variant type: single nucleotide variant.
Coding change: c.392G>A on transcript NM_001165963.4 (MANE Select); coding-DNA position 392, G replaced by A.
Protein change: p.Ser131Asn; replaces serine 131 with asparagine.
Molecular consequence: missense variant. On other transcripts: 5 prime UTR variant (1), non-coding transcript variant (1).
Genome position (GRCh38, 1-based): chr2:166,056,492, C>T on the plus strand (G>A on the coding strand, the complement: SCN1A is on the minus strand). VCF-style: chr2-166056492-C-T. GRCh37 (hg19) VCF-style: chr2-166913002-C-T.
Other names: c.392G>A, p.Ser131Asn (NM_001353952.2, NM_001353954.2, NM_001353955.2 and 10 more transcripts); c.-2034G>A (NM_001353961.2); short protein forms S131N.
Identifiers: ClinVar variation 1510635 (VCV001510635.7), dbSNP rs1699154477, ClinGen allele CA349076146.
Genomic context (GRCh38, chr2:166,056,492, plus strand): 5'-GGAGGGTTACTCATTGTCATAAACACACAGTTTGTCAAAATAGTGCACATAATTAGCATG[C>T]TGAATAATGTAGGTTATTGTTAAGGAACACACAAAAGAAAATCAAAATCCAAGTGTTATA-3'
Protein context (NP_001159435.1, residues 121-141): AIKILVHSLF[Ser131Asn]MLIMCTILTN